The following is an entry in ClinVar:

NM_016032.4(ZDHHC9):c.34C>T (p.Arg12Trp)

Gene: ZDHHC9 (zDHHC palmitoyltransferase 9; minus strand). Cytogenetic location: Xq26.1.
Variant type: single nucleotide variant.
Coding change: c.34C>T on transcript NM_016032.4 (MANE Select); coding-DNA position 34, C replaced by T.
Protein change: p.Arg12Trp; replaces arginine 12 with tryptophan.
Molecular consequence: missense variant.
Genome position (GRCh38, 1-based): chrX:129,841,912, G>A on the plus strand (C>T on the coding strand, the complement: ZDHHC9 is on the minus strand). VCF-style: chrX-129841912-G-A. GRCh37 (hg19) VCF-style: chrX-128975888-G-A.
Other names: c.34C>T, p.Arg12Trp (NM_001008222.3); short protein forms R12W.
Identifiers: ClinVar variation 3384276 (VCV003384276.2).

ClinVar aggregate classification (germline): Uncertain significance (1 of 4 stars; one submission).

Submission:

GeneDx
Classification: Uncertain significance. Last evaluated: 2026-01-09. Review status: criteria provided, single submitter. Criteria: GeneDx Variant Classification Process June 2021. Collection method: clinical testing. Allele origin: germline.
Comment: Not observed at significant frequency in large population cohorts (gnomAD); In silico analysis supports that this missense variant has a deleterious effect on protein structure/function; Has not been previously published as pathogenic or benign to our knowledge